The following is an entry in ClinVar:

NM_002617.4(PEX10):c.211del (p.Glu71fs)

Gene: PEX10 (peroxisomal biogenesis factor 10; minus strand). Cytogenetic location: 1p36.32.
Variant type: Deletion.
Coding change: c.211del on transcript NM_002617.4 (MANE Select); coding-DNA position 211, one base deleted (G; older notation c.211delG).
Protein change: p.Glu71fs; shifts the reading frame from glutamic acid 71.
Molecular consequence: frameshift variant. On other transcripts: 5 prime UTR variant (2), non-coding transcript variant (1).
Genome position (GRCh38, 1-based): chr1:2,408,841, C deleted on the plus strand (G on the coding strand, the reverse complement: PEX10 is on the minus strand); the first of 5 consecutive C bases (chr1:2,408,841-2,408,845); deleting any one gives the same sequence. VCF-style (leftmost placement, unchanged base first): chr1-2408840-TC-T. GRCh37 (hg19) VCF-style: chr1-2340279-TC-T.
Other names: c.211del, p.Glu71fs (NM_001374425.1, NM_153818.2); c.-222del (NM_001374426.1, NM_001374427.1); short protein forms E71fs.
Identifiers: ClinVar variation 2838340 (VCV002838340.3), dbSNP rs2522280479, ClinGen allele CA2739272226.

ClinVar aggregate classification (germline): Pathogenic (1 of 4 stars; one submission).

Conditions:
Peroxisome biogenesis disorder, complementation group 7 (CG7). Also called: Peroxisome biogenesis disorder, complementation group B. Identifiers: MedGen C1864399.

Submission:

Labcorp Genetics (formerly Invitae), Labcorp
Classification: Pathogenic for Peroxisome biogenesis disorder, complementation group 7. Last evaluated: 2023-02-16. Review status: criteria provided, single submitter. Criteria: Invitae Variant Classification Sherloc (09022015). Collection method: clinical testing. Allele origin: germline.
Comment: For these reasons, this variant has been classified as Pathogenic. This variant has not been reported in the literature in individuals affected with PEX10-related conditions. This variant is not present in population databases (gnomAD no frequency). This sequence change creates a premature translational stop signal (p.Glu71Argfs*26) in the PEX10 gene. It is expected to result in an absent or disrupted protein product. Loss-of-function variants in PEX10 are known to be pathogenic (PMID: 9683594, 10862081, 21031596).

Literature cited by the submitters: PubMed 9683594; PubMed 10862081; PubMed 21031596.